The following is an entry in ClinVar:

ClinVar aggregate classification (germline): Uncertain significance (1 of 4 stars; one submission).

Submission:

Labcorp Genetics (formerly Invitae), Labcorp
Classification: Uncertain significance. Last evaluated: 2021-10-05. Review status: criteria provided, single submitter. Criteria: Invitae Variant Classification Sherloc (09022015). Collection method: clinical testing. Allele origin: germline.
Comment: This variant is not present in population databases (ExAC no frequency). This sequence change replaces leucine with phenylalanine at codon 29 of the APOC3 protein (p.Leu29Phe). The leucine residue is highly conserved and there is a small physicochemical difference between leucine and phenylalanine. This variant has not been reported in the literature in individuals affected with APOC3-related conditions. In summary, the available evidence is currently insufficient to determine the role of this variant in disease. Therefore, it has been classified as a Variant of Uncertain Significance. Algorithms developed to predict the effect of missense changes on protein structure and function are either unavailable or do not agree on the potential impact of this missense change (SIFT: "Deleterious"; PolyPhen-2: "Not Available"; Align-GVGD: "Class C15").

NM_000040.3(APOC3):c.85C>T (p.Leu29Phe)

Gene: APOC3 (apolipoprotein C3; plus strand). Cytogenetic location: 11q23.3.
Variant type: single nucleotide variant.
Coding change: c.85C>T on transcript NM_000040.3 (MANE Select); coding-DNA position 85, C replaced by T.
Protein change: p.Leu29Phe; replaces leucine 29 with phenylalanine.
Molecular consequence: missense variant.
Genome position (GRCh38, 1-based): chr11:116,830,802, C>T. VCF-style: chr11-116830802-C-T. GRCh37 (hg19) VCF-style: chr11-116701518-C-T.
Other names: short protein forms L29F.
Identifiers: ClinVar variation 1384940 (VCV001384940.6), dbSNP rs2134224794, ClinGen allele CA382709889.